The following is an entry in ClinVar:

ClinVar aggregate classification (germline): Pathogenic/Likely pathogenic. Review status: criteria provided, multiple submitters, no conflicts (2 of 4 stars). 3 submissions from 3 submitters: Pathogenic (2); Likely pathogenic (1). Last evaluated 2025-01-15.

Conditions:
Retinitis pigmentosa 25 (RP25). Identifiers: Orphanet 791, MedGen C1864446, MONDO:0011272, OMIM 602772.

Submissions (3):

Natera, Inc.
Classification: Likely pathogenic for Retinitis pigmentosa type 25. Last evaluated: 2025-01-15. Review status: criteria provided, single submitter. Criteria: Natera Variant Classification Schema (03/2026). Collection method: clinical testing. Allele origin: germline.
Comment: The c.5958_5961delGACT variant in EYS is a frameshift variant predicted to shift the reading frame beginning at codon 1987 and leads to a stop codon 2 codons downstream. This variant is expected to result in nonsense mediated decay, truncation, or a dysfunctional protein product. This variant is rare in the general population with a frequency below the threshold expected for the associated phenotype(s). Given the available evidence, this variant is classified as Likely Pathogenic.

Fulgent Genetics
Classification: Pathogenic for Retinitis pigmentosa 25. Last evaluated: 2024-03-06. Review status: criteria provided, single submitter. Criteria: ACMG Guidelines, 2015. Collection method: clinical testing. Allele origin: germline.

Labcorp Genetics (formerly Invitae), Labcorp
Classification: Pathogenic. Last evaluated: 2022-06-20. Review status: criteria provided, single submitter. Criteria: Invitae Variant Classification Sherloc (09022015). Collection method: clinical testing. Allele origin: germline.
Comment: This sequence change creates a premature translational stop signal (p.Thr1987Phefs*2) in the EYS gene. It is expected to result in an absent or disrupted protein product. Loss-of-function variants in EYS are known to be pathogenic (PMID: 18836446, 20333770). For these reasons, this variant has been classified as Pathogenic. ClinVar contains an entry for this variant (Variation ID: 837224). This variant has not been reported in the literature in individuals affected with EYS-related conditions. This variant is present in population databases (no rsID available, gnomAD 0.01%).

Literature cited by the submitters: PubMed 18836446 (cited by Labcorp Genetics (formerly Invitae), Labcorp); PubMed 20333770 (cited by Labcorp Genetics (formerly Invitae), Labcorp).

NM_001142800.2(EYS):c.5958_5961del (p.Thr1987fs)

Gene: EYS (EGF-like photoreceptor maintenance factor; minus strand). Cytogenetic location: 6q12.
Variant type: Deletion.
Coding change: c.5958_5961del on transcript NM_001142800.2 (MANE Select); coding-DNA positions 5958 to 5961, 4 bases deleted (GACT; older notation c.5958_5961delGACT).
Protein change: p.Thr1987fs; shifts the reading frame from threonine 1987.
Molecular consequence: frameshift variant.
Genome position (GRCh38, 1-based): chr6:64,388,807-64,388,810, AGTC deleted on the plus strand (GACT on the coding strand, the reverse complement: EYS is on the minus strand); deleting any 4 consecutive bases within chr6:64,388,807-64,388,812 gives the same sequence; the c. name uses the placement nearest the transcript's 3' end. VCF-style (leftmost placement, unchanged base first): chr6-64388806-TAGTC-T. GRCh37 (hg19) VCF-style: chr6-65098699-TAGTC-T.
Other names: c.5958_5961del, p.Thr1987fs (NM_001292009.2); c.5958_5961delGACT (NM_001142800.1); short protein forms T1987fs.
Identifiers: ClinVar variation 837224 (VCV000837224.9), dbSNP rs1561965266, ClinGen allele CA567736232.